The following is an entry in ClinVar:

NC_000010.10:g.(?_13151123)_(13158360_?)del

Gene: OPTN (optineurin; plus strand). Cytogenetic location: 10p13.
Variant type: Deletion.
Identifiers: ClinVar variation 2426699 (VCV002426699.6).

ClinVar aggregate classification (germline): Pathogenic (1 of 4 stars; one submission).

Conditions:
Glaucoma 1, open angle, E. Identifiers: MedGen C1842026, MONDO:0007665.
Primary open angle glaucoma (POAG). Also called: OPTN-related open angle glaucoma. Identifiers: MedGen C0339573, MONDO:0100553, OMIM 137760.
Amyotrophic lateral sclerosis type 12 (ALS12). Also called: AMYOTROPHIC LATERAL SCLEROSIS 12 WITH OR WITHOUT FRONTOTEMPORAL DEMENTIA. Identifiers: Orphanet 803, MedGen C3150692, MONDO:0013264, OMIM 613435.

Submission:

Labcorp Genetics (formerly Invitae), Labcorp
Classification: Pathogenic for Primary open angle glaucoma; Glaucoma 1, open angle, E; Amyotrophic lateral sclerosis type 12. Last evaluated: 2022-06-13. Review status: criteria provided, single submitter. Criteria: Invitae Variant Classification Sherloc (09022015). Collection method: clinical testing. Allele origin: germline.
Comment: For these reasons, this variant has been classified as Pathogenic. This variant has not been reported in the literature in individuals affected with OPTN-related conditions. This variant is a gross deletion of the genomic region encompassing exon(s) 2-5 of the OPTN gene, which includes the initiator codon. This deletion extends beyond the assayed region for this gene and therefore may encompass additional genes. It is expected to result in an absent or disrupted protein product. Loss-of-function variants in OPTN are known to be pathogenic (PMID: 20428114).

Literature cited by the submitters: PubMed 20428114.